The following is an entry in ClinVar:

ClinVar aggregate classification (germline): Uncertain significance. Review status: criteria provided, multiple submitters, no conflicts (2 of 4 stars). 2 submissions from 2 submitters: Uncertain significance (2). Last evaluated 2025-06-14.

Conditions:
Acrodysostosis 2 with or without hormone resistance. Also called: ACRODYSOSTOSIS 2 WITH HORMONE RESISTANCE; ACRODYSOSTOSIS 2 WITHOUT HORMONE RESISTANCE. Identifiers: Orphanet 280651, MedGen C3553250, MONDO:0013822, OMIM 614613.

gnomAD v4.1: 22 of 1,612,696 alleles (0.0014%); highest among the groups gnomAD compares: Admixed American, 0.0033%; no homozygotes.

Submissions (2):

Labcorp Genetics (formerly Invitae), Labcorp
Classification: Uncertain significance. Last evaluated: 2025-06-14. Review status: criteria provided, single submitter. Criteria: Invitae Variant Classification Sherloc (09022015). Collection method: clinical testing. Allele origin: germline.
Comment: This sequence change replaces threonine, which is neutral and polar, with methionine, which is neutral and non-polar, at codon 748 of the PDE4D protein (p.Thr748Met). This variant is present in population databases (no rsID available, gnomAD 0.002%). This variant has not been reported in the literature in individuals affected with PDE4D-related conditions. ClinVar contains an entry for this variant (Variation ID: 3592721). An algorithm developed to predict the effect of missense changes on protein structure and function (PolyPhen-2) suggests that this variant is likely to be tolerated. In summary, the available evidence is currently insufficient to determine the role of this variant in disease. Therefore, it has been classified as a Variant of Uncertain Significance.

Fulgent Genetics
Classification: Uncertain significance for Acrodysostosis 2 with or without hormone resistance. Last evaluated: 2024-06-11. Review status: criteria provided, single submitter. Criteria: ACMG Guidelines, 2015. Collection method: clinical testing. Allele origin: germline.

NM_001104631.2(PDE4D):c.2243C>T (p.Thr748Met)

Gene: PDE4D (phosphodiesterase 4D; minus strand). Cytogenetic location: 5q11.2.
Variant type: single nucleotide variant.
Coding change: c.2243C>T on transcript NM_001104631.2 (MANE Select); coding-DNA position 2243, C replaced by T.
Protein change: p.Thr748Met; replaces threonine 748 with methionine.
Molecular consequence: missense variant.
Genome position (GRCh38, 1-based): chr5:58,974,851, G>A on the plus strand (C>T on the coding strand, the complement: PDE4D is on the minus strand). VCF-style: chr5-58974851-G-A. GRCh37 (hg19) VCF-style: chr5-58270678-G-A.
Other names: c.2060C>T, p.Thr687Met (NM_001165899.2, NM_001364599.1); c.2051C>T, p.Thr684Met (NM_001197218.2); c.1877C>T, p.Thr626Met (NM_001197219.2); c.1853C>T, p.Thr618Met (NM_001197220.2); c.1337C>T, p.Thr446Met (NM_001197221.2, NM_001364603.1); c.1571C>T, p.Thr524Met (NM_001197222.2); c.1370C>T, p.Thr457Met (NM_001197223.2); c.2030C>T, p.Thr677Met (NM_001349241.2); and 3 more; short protein forms T446M, T677M, T748M, T492M, T626M, T638M, T687M, T612M.
Identifiers: ClinVar variation 3592721 (VCV003592721.3).